The following is an entry in ClinVar:

ClinVar aggregate classification (germline): Uncertain significance. Review status: criteria provided, multiple submitters, no conflicts (2 of 4 stars). 4 submissions from 4 submitters: Uncertain significance (4). Last evaluated 2025-12-08.

Conditions:
Mitral valve prolapse, myxomatous 2. Also called: Mitral valve prolapse 2; MMVP2. Identifiers: MedGen C1843003, MONDO:0011915, OMIM 607829.
Inborn genetic diseases. Identifiers: MedGen C0950123, MeSH D030342.

Allele frequency attached by ClinVar (database versions not stated): gnomAD exomes 0.00004; ExAC 0.00005; gnomAD 0.00005 and 0.00006; TOPMed 0.00005; ESP Exome Variant Server 0.00015; 1000 Genomes Project 30x 0.00016.
gnomAD v4.1: 40 of 1,613,524 alleles (0.0025%); highest among the groups gnomAD compares: African/African-American, 0.029%; no homozygotes.

Submissions (4):

Labcorp Genetics (formerly Invitae), Labcorp
Classification: Uncertain significance. Last evaluated: 2025-12-08. Review status: criteria provided, single submitter. Criteria: Invitae Variant Classification Sherloc (09022015). Collection method: clinical testing. Allele origin: germline.
Comment: This sequence change replaces arginine, which is basic and polar, with tryptophan, which is neutral and slightly polar, at codon 2139 of the DCHS1 protein (p.Arg2139Trp). This variant is present in population databases (rs145429962, gnomAD 0.04%). This variant has not been reported in the literature in individuals affected with DCHS1-related conditions. ClinVar contains an entry for this variant (Variation ID: 1033609). Invitae Evidence Modeling of protein sequence and biophysical properties (such as structural, functional, and spatial information, amino acid conservation, physicochemical variation, residue mobility, and thermodynamic stability) indicates that this missense variant is not expected to disrupt DCHS1 protein function with a negative predictive value of 80%. In summary, the available evidence is currently insufficient to determine the role of this variant in disease. Therefore, it has been classified as a Variant of Uncertain Significance.

Ambry Genetics
Classification: Uncertain significance for Inborn genetic diseases. Last evaluated: 2025-08-08. Review status: criteria provided, single submitter. Criteria: Ambry Variant Classification Scheme 2023. Collection method: clinical testing. Allele origin: germline.

GeneDx
Classification: Uncertain significance. Last evaluated: 2022-07-01. Review status: criteria provided, single submitter. Criteria: GeneDx Variant Classification Process June 2021. Collection method: clinical testing. Allele origin: germline. Affected: yes.
Comment: In silico analysis supports that this missense variant has a deleterious effect on protein structure/function; Has not been previously published as pathogenic or benign to our knowledge

Baylor Genetics
Classification: Uncertain significance for Mitral valve prolapse, myxomatous 2. Last evaluated: 2018-04-10. Review status: criteria provided, single submitter. Criteria: ACMG Guidelines, 2015. Collection method: clinical testing. Allele origin: maternal. Affected: yes.
Comment: This variant was determined to be of uncertain significance according to ACMG Guidelines, 2015 [PMID:25741868].

NM_003737.4(DCHS1):c.6415C>T (p.Arg2139Trp)

Gene: DCHS1 (dachsous cadherin-related 1; minus strand). Cytogenetic location: 11p15.4.
Variant type: single nucleotide variant.
Coding change: c.6415C>T on transcript NM_003737.4 (MANE Select); coding-DNA position 6415, C replaced by T.
Protein change: p.Arg2139Trp; replaces arginine 2139 with tryptophan.
Molecular consequence: missense variant.
Genome position (GRCh38, 1-based): chr11:6,626,330, G>A on the plus strand (C>T on the coding strand, the complement: DCHS1 is on the minus strand). VCF-style: chr11-6626330-G-A. GRCh37 (hg19) VCF-style: chr11-6647561-G-A.
Other names: c.6415C>T (NM_003737.2); short protein forms R2139W.
Identifiers: ClinVar variation 1033609 (VCV001033609.13), dbSNP rs145429962, ClinGen allele CA5859862.
Genomic context (GRCh38, chr11:6,626,330, plus strand): 5'-GGGTCAGCACAGTGAAGGCAAAGGCTCCTCCACTCTCTGCCTGCAGCACCAGTCGCAGCC[G>A]TGGACTCACCTCGAAGTCTAGCCCCTCTGCTGAGCGAACTGTGATGGCACCTGGGCGAGA-3'
Protein context (NP_003728.1, residues 2129-2149): AEGLDFEVSP[Arg2139Trp]LRLVLQAESG